The following is an entry in ClinVar:

NM_030662.4(MAP2K2):c.581-2A>G

Gene: MAP2K2 (mitogen-activated protein kinase kinase 2; minus strand). Cytogenetic location: 19p13.3.
Variant type: single nucleotide variant.
Coding change: c.581-2A>G on transcript NM_030662.4 (MANE Select); the canonical splice acceptor site of the intron before coding-DNA position 581, A replaced by G.
Molecular consequence: splice acceptor variant.
Genome position (GRCh38, 1-based): chr19:4,101,145, T>C on the plus strand (A>G on the coding strand, the complement: MAP2K2 is on the minus strand). VCF-style: chr19-4101145-T-C. GRCh37 (hg19) VCF-style: chr19-4101143-T-C.
Identifiers: ClinVar variation 2138187 (VCV002138187.4), dbSNP rs2512310315, ClinGen allele CA403388836.

ClinVar aggregate classification (germline): Uncertain significance (1 of 4 stars; one submission).

Conditions:
RASopathy. Also called: Noonan spectrum disorder; rasopathies. Identifiers: Orphanet 536391, MedGen C5555857, MONDO:0021060.

Submission:

Labcorp Genetics (formerly Invitae), Labcorp
Classification: Uncertain significance for RASopathy. Last evaluated: 2022-06-09. Review status: criteria provided, single submitter. Criteria: Invitae Variant Classification Sherloc (09022015). Collection method: clinical testing. Allele origin: germline.
Comment: In summary, the available evidence is currently insufficient to determine the role of this variant in disease. Therefore, it has been classified as a Variant of Uncertain Significance. Algorithms developed to predict the effect of sequence changes on RNA splicing suggest that this variant may disrupt the consensus splice site. Disruption of this splice site has been observed in individual(s) with clinical features of MAP2K2-related conditions (PMID: 25621899). This variant is not present in population databases (gnomAD no frequency). This sequence change affects an acceptor splice site in intron 5 of the MAP2K2 gene. It is expected to disrupt RNA splicing. Variants that disrupt the donor or acceptor splice site typically lead to a loss of protein function (PMID: 16199547), however the current clinical and genetic evidence is not sufficient to establish whether loss-of-function variants in MAP2K2 cause disease.

Literature cited by the submitters: PubMed 25621899; PubMed 16199547.